The following is an entry in ClinVar:

ClinVar aggregate classification (germline): Uncertain significance. Review status: criteria provided, multiple submitters, no conflicts (2 of 4 stars). 4 submissions from 4 submitters: Uncertain significance (4). Last evaluated 2025-07-31.

Conditions:
Inborn genetic diseases. Identifiers: MedGen C0950123, MeSH D030342.

Allele frequency attached by ClinVar (database versions not stated): TOPMed 0.00004; gnomAD 0.00005.
gnomAD v4.1: 37 of 1,557,638 alleles (0.0024%); highest among the groups gnomAD compares: East Asian, 0.021%; no homozygotes.

Submissions (4):

Ambry Genetics
Classification: Uncertain significance for Inborn genetic diseases. Last evaluated: 2025-07-31. Review status: criteria provided, single submitter. Criteria: Ambry Variant Classification Scheme 2023. Collection method: clinical testing. Allele origin: germline.

Blueprint Genetics
Classification: Uncertain significance. Last evaluated: 2024-08-09. Review status: criteria provided, single submitter. Criteria: ACMG Guidelines, 2015. Collection method: clinical testing. Allele origin: germline.

CeGaT Center for Human Genetics Tuebingen
Classification: Uncertain significance. Last evaluated: 2024-04-01. Review status: criteria provided, single submitter. Criteria: CeGaT Center For Human Genetics Tuebingen Variant Classification Criteria Version 2. Collection method: clinical testing. Allele origin: germline. Affected: yes. Observed: 1 variant allele.
Comment: MPDZ: PM2, BP4

Labcorp Genetics (formerly Invitae), Labcorp
Classification: Uncertain significance. Last evaluated: 2023-07-17. Review status: criteria provided, single submitter. Criteria: Invitae Variant Classification Sherloc (09022015). Collection method: clinical testing. Allele origin: germline.
Comment: This sequence change replaces valine, which is neutral and non-polar, with isoleucine, which is neutral and non-polar, at codon 1209 of the MPDZ protein (p.Val1209Ile). This variant is present in population databases (rs777942523, gnomAD 0.009%). This variant has not been reported in the literature in individuals affected with MPDZ-related conditions. ClinVar contains an entry for this variant (Variation ID: 1385132). Algorithms developed to predict the effect of missense changes on protein structure and function output the following: SIFT: "Not Available"; PolyPhen-2: "Benign"; Align-GVGD: "Not Available". The isoleucine amino acid residue is found in multiple mammalian species, which suggests that this missense change does not adversely affect protein function. In summary, the available evidence is currently insufficient to determine the role of this variant in disease. Therefore, it has been classified as a Variant of Uncertain Significance.

NM_001378778.1(MPDZ):c.3625G>A (p.Val1209Ile)

Gene: MPDZ (multiple PDZ domain crumbs cell polarity complex component; minus strand). Cytogenetic location: 9p23.
Variant type: single nucleotide variant.
Coding change: c.3625G>A on transcript NM_001378778.1 (MANE Select); coding-DNA position 3625, G replaced by A.
Protein change: p.Val1209Ile; replaces valine 1209 with isoleucine.
Molecular consequence: missense variant.
Genome position (GRCh38, 1-based): chr9:13,150,516, C>T on the plus strand (G>A on the coding strand, the complement: MPDZ is on the minus strand). VCF-style: chr9-13150516-C-T. GRCh37 (hg19) VCF-style: chr9-13150515-C-T.
Other names: c.3625G>A, p.Val1209Ile (NM_001375418.1, NM_001375419.1, NM_001375420.1 and 13 more transcripts); c.3427G>A, p.Val1143Ile (NM_001375427.1); c.3625G>A (NM_003829.3); short protein forms V1143I, V1209I.
Identifiers: ClinVar variation 1385132 (VCV001385132.27), dbSNP rs777942523, ClinGen allele CA4987063.